The following is an entry in ClinVar:

NM_000274.4(OAT):c.-30G>T

Gene: OAT (ornithine aminotransferase; minus strand). Cytogenetic location: 10q26.13.
Variant type: single nucleotide variant.
Coding change: c.-30G>T on transcript NM_000274.4 (MANE Select); 30 bases upstream of the start codon, G replaced by T.
Molecular consequence: 5 prime UTR variant. On other transcripts: intron variant (1).
Genome position (GRCh38, 1-based): chr10:124,418,873, C>A on the plus strand (G>T on the coding strand, the complement: OAT is on the minus strand). VCF-style: chr10-124418873-C-A. GRCh37 (hg19) VCF-style: chr10-126107442-C-A.
Other names: c.-216G>T (NM_001171814.2); c.-345G>T (NM_001322966.2); c.-150G>T (NM_001322967.2); c.-237G>T (NM_001322968.2); c.-117G>T (NM_001322969.2); c.-333G>T (NM_001322970.2); c.-30G>T (NM_001322971.2); c.-516G>T (NM_001322974.2); and 1 more.
Identifiers: ClinVar variation 4540045 (VCV004540045.1).

ClinVar aggregate classification (germline): Uncertain significance (1 of 4 stars; one submission).

Submission:

GeneDx
Classification: Uncertain significance. Last evaluated: 2025-06-17. Review status: criteria provided, single submitter. Criteria: GeneDx Variant Classification Process June 2021. Collection method: clinical testing. Allele origin: germline. Affected: yes.
Comment: In silico analysis supports a deleterious effect on splicing; Has not been previously published as pathogenic or benign to our knowledge; No data available from control populations to assess the frequency of this variant; Located in a regulatory region; in the absence of functional studies, the actual effect of this sequence change is unknown